The following is an entry in ClinVar:

ClinVar aggregate classification (germline): Likely pathogenic. Review status: criteria provided, multiple submitters, no conflicts (2 of 4 stars). 2 submissions from 2 submitters: Likely pathogenic (2). Last evaluated 2026-08-01.

Conditions:
Autosomal recessive limb-girdle muscular dystrophy type 2J (LGMDR10). Also called: MUSCULAR DYSTROPHY, LIMB-GIRDLE, AUTOSOMAL RECESSIVE 10; Limb-girdle muscular dystrophy, type 2J. Identifiers: Orphanet 140922, MedGen C1837342, MONDO:0012127, OMIM 608807.
Dilated cardiomyopathy 1G (CMD1G). Identifiers: Orphanet 154, MedGen C1858763, MONDO:0011400, OMIM 604145.

Submissions (2):

CeGaT Center for Human Genetics Tuebingen
Classification: Likely pathogenic. Last evaluated: 2026-08-01. Review status: criteria provided, single submitter. Criteria: CeGaT Center For Human Genetics Tuebingen Variant Classification Criteria Version 2. Collection method: clinical testing. Allele origin: germline. Affected: yes. Observed: 1 variant allele.
Comment: TTN: PVS1:Strong, PM2

Labcorp Genetics (formerly Invitae), Labcorp
Classification: Likely pathogenic for Dilated cardiomyopathy 1G; Autosomal recessive limb-girdle muscular dystrophy type 2J. Last evaluated: 2024-10-18. Review status: criteria provided, single submitter. Criteria: Invitae Variant Classification Sherloc (09022015). Collection method: clinical testing. Allele origin: germline.
Comment: This sequence change creates a premature translational stop signal (p.Thr2238Asnfs*3) in the TTN gene. While this is not anticipated to result in nonsense mediated decay, it is expected to create a truncated TTN protein. This variant is not present in population databases (gnomAD no frequency). This variant has not been reported in the literature in individuals affected with TTN-related conditions. ClinVar contains an entry for this variant (Variation ID: 961172). This variant is located in the I band of TTN (PMID: 25589632). Truncating variants in this region have been reported in individuals affected with autosomal recessive centronuclear myopathy (PMID: 23975875, internal data). Truncating variants in this region have also been identified in individuals affected with autosomal dominant dilated cardiomyopathy and/or cardio-related conditions (PMID: 27869827, 32964742, internal data). In summary, the currently available evidence indicates that the variant is pathogenic, but additional data are needed to prove that conclusively. Therefore, this variant has been classified as Likely Pathogenic.

Literature cited by the submitters: PubMed 25589632 (cited by Labcorp Genetics (formerly Invitae), Labcorp); PubMed 23975875 (cited by Labcorp Genetics (formerly Invitae), Labcorp); PubMed 27869827 (cited by Labcorp Genetics (formerly Invitae), Labcorp); PubMed 32964742 (cited by Labcorp Genetics (formerly Invitae), Labcorp).

NM_001267550.2(TTN):c.6712dup (p.Thr2238fs)

Gene: TTN (titin; minus strand). Cytogenetic location: 2q31.2.
Variant type: Duplication.
Coding change: c.6712dup on transcript NM_001267550.2 (MANE Select); coding-DNA position 6712, one base duplicated (A; older notation c.6712dupA).
Protein change: p.Thr2238fs; shifts the reading frame from threonine 2238.
Molecular consequence: frameshift variant.
Genome position (GRCh38, 1-based): chr2:178,774,999, T duplicated on the plus strand (A on the coding strand, the reverse complement: TTN is on the minus strand). VCF-style (leftmost placement, unchanged base first): chr2-178774998-G-GT. GRCh37 (hg19) VCF-style: chr2-179639725-G-GT.
Other names: c.6712dup, p.Thr2238fs (NM_001256850.1, NM_133378.4, NM_133379.5); c.6574dup, p.Thr2192fs (NM_003319.4, NM_133432.3, NM_133437.4); short protein forms T2192fs, T2238fs.
Identifiers: ClinVar variation 961172 (VCV000961172.11), dbSNP rs2092039557, ClinGen allele CA1139657527.